The following is an entry in ClinVar:

NM_000051.4(ATM):c.1503_1521del (p.Gln501fs)

Gene: ATM (ATM serine/threonine kinase; plus strand). Cytogenetic location: 11q22.3.
Variant type: Deletion.
Coding change: c.1503_1521del on transcript NM_000051.4 (MANE Select); coding-DNA positions 1503 to 1521, 19 bases deleted (AGCTGAAAACTTTGGCTTA).
Protein change: p.Gln501fs; shifts the reading frame from glutamine 501.
Molecular consequence: frameshift variant.
Genome position (GRCh38, 1-based): chr11:108,250,968-108,250,986, AGCTGAAAACTTTGGCTTA deleted; deleting any 19 consecutive bases within chr11:108,250,967-108,250,986 gives the same sequence; the c. name uses the placement nearest the transcript's 3' end. VCF-style (leftmost placement, unchanged base first): chr11-108250966-CAAGCTGAAAACTTTGGCTT-C. GRCh37 (hg19) VCF-style: chr11-108121693-CAAGCTGAAAACTTTGGCTT-C.
Other names: c.1503_1521del, p.Gln501fs (NM_001351834.2); short protein forms Q501fs.
Identifiers: ClinVar variation 2581270 (VCV002581270.1), dbSNP rs2497249377, ClinGen allele CA2582342456.

ClinVar aggregate classification (germline): Pathogenic (1 of 4 stars; one submission).

Conditions:
Malignant tumor of breast. Also called: Malignant breast neoplasm; Cancer breast. Identifiers: MedGen C0006142, MONDO:0007254. Disease mechanism: loss of function.

Submission:

Women's Health and Genetics/Laboratory Corporation of America, LabCorp
Classification: Pathogenic for Malignant tumor of breast. Last evaluated: 2023-08-21. Review status: criteria provided, single submitter. Criteria: LabCorp Variant Classification Summary - May 2015. Collection method: clinical testing. Allele origin: germline.
Comment: Variant summary: ATM c.1503_1521del19 (p.Gln501HisfsX5) results in a premature termination codon, predicted to cause a truncation of the encoded protein or absence of the protein due to nonsense mediated decay, which are commonly known mechanisms for disease. The variant was absent in 251248 control chromosomes (gnomAD). To our knowledge, no occurrence of c.1503_1521del19 in individuals affected with Breast Cancer and no experimental evidence demonstrating its impact on protein function have been reported. No submitters have reported clinical-significance assessments for this variant to ClinVar after 2014. Based on the evidence outlined above, the variant was classified as pathogenic.